The following is an entry in ClinVar:

NM_000294.3(PHKG2):c.928-5C>G

Gene: PHKG2 (phosphorylase kinase catalytic subunit gamma 2; plus strand). Cytogenetic location: 16p11.2.
Variant type: single nucleotide variant.
Coding change: c.928-5C>G on transcript NM_000294.3 (MANE Select); 5 bases into the intron before coding-DNA position 928, C replaced by G.
Molecular consequence: intron variant.
Genome position (GRCh38, 1-based): chr16:30,756,799, C>G. VCF-style: chr16-30756799-C-G. GRCh37 (hg19) VCF-style: chr16-30768120-C-G.
Other names: c.928-5C>G (NM_001172432.2, NM_000294.2).
Identifiers: ClinVar variation 2994354 (VCV002994354.4), dbSNP rs776340317, ClinGen allele CA8013360.

ClinVar aggregate classification (germline): Conflicting classifications of pathogenicity. Review status: criteria provided, conflicting classifications (1 of 4 stars). 2 submissions from 2 submitters: Uncertain significance (1); Likely benign (1). Last evaluated 2026-09-09.

Conditions:
Glycogen storage disease IXc (GSD9C). Also called: GSD IXc. Identifiers: Orphanet 264580, MedGen C2751643, MONDO:0013091, OMIM 613027.
Inborn genetic diseases. Identifiers: MedGen C0950123, MeSH D030342.

Allele frequency attached by ClinVar (database versions not stated): gnomAD exomes below 0.00001; ExAC 0.00001.

Submissions (2):

Ambry Genetics
Classification: Uncertain significance for Inborn genetic diseases. Last evaluated: 2026-09-09. Review status: criteria provided, single submitter. Criteria: Ambry Variant Classification Scheme 2023. Collection method: clinical testing. Allele origin: germline.
Comment: The c.928-5C>G intronic variant consists of a C to G substitution 5 nucleotides before exon 10 (coding exon 9) in the PHKG2 gene. Based on data from gnomAD, the G allele has an overall frequency of <0.001% (1/251122) total alleles studied. The highest observed frequency was 0.001% (1/113488) of European (non-Finnish) alleles. In silico splice site analysis predicts that this alteration will not have any significant effect on splicing. Based on insufficient or conflicting evidence, the clinical significance of this alteration remains unclear.

Labcorp Genetics (formerly Invitae), Labcorp
Classification: Likely benign for Glycogen storage disease IXc. Last evaluated: 2023-10-14. Review status: criteria provided, single submitter. Criteria: Invitae Variant Classification Sherloc (09022015). Collection method: clinical testing. Allele origin: germline.